The following is an entry in ClinVar:

NM_001244710.2(GFPT1):c.408+5G>A

Gene: GFPT1 (glutamine--fructose-6-phosphate transaminase 1; minus strand). Cytogenetic location: 2p13.3.
Variant type: single nucleotide variant.
Coding change: c.408+5G>A on transcript NM_001244710.2 (MANE Select); 5 bases into the intron after coding-DNA position 408, G replaced by A.
Molecular consequence: intron variant.
Genome position (GRCh38, 1-based): chr2:69,359,263, C>T on the plus strand (G>A on the coding strand, the complement: GFPT1 is on the minus strand). VCF-style: chr2-69359263-C-T. GRCh37 (hg19) VCF-style: chr2-69586395-C-T.
Other names: c.408+5G>A (NM_002056.4).
Identifiers: ClinVar variation 617539 (VCV000617539.5), dbSNP rs1558762013, ClinGen allele CA913189840.
Genomic context (GRCh38, chr2:69,359,263, plus strand): 5'-CGACCCCAGTGCTCTCGTTAGAAGTATTCTCAAAGACTGGGGTCTTTTGAGGTCACCTTA[C>T]TTACCAAAAACTTTTTCAAGTCTTTGTAGTTGGTGATGATTCCATTGTGAATAACGATAA-3'

ClinVar aggregate classification (germline): Likely pathogenic. Review status: criteria provided, multiple submitters, no conflicts (2 of 4 stars). 2 submissions from 2 submitters: Likely pathogenic (2). Last evaluated 2024-03-05.

Conditions:
Congenital myasthenic syndrome 12 (CMS12). Also called: MYASTHENIC SYNDROME, CONGENITAL, WITH TUBULAR AGGREGATES 1; Myasthenia, congenital, 12, with tubular aggregates. Identifiers: Orphanet 353327, Orphanet 590, MedGen C3552335, MONDO:0012518, OMIM 610542.

Submissions (2):

Labcorp Genetics (formerly Invitae), Labcorp
Classification: Likely pathogenic for Congenital myasthenic syndrome 12. Last evaluated: 2024-03-05. Review status: criteria provided, single submitter. Criteria: Invitae Variant Classification Sherloc (09022015). Collection method: clinical testing. Allele origin: germline.
Comment: This sequence change falls in intron 5 of the GFPT1 gene. It does not directly change the encoded amino acid sequence of the GFPT1 protein. It affects a nucleotide within the consensus splice site. This variant is not present in population databases (gnomAD no frequency). This variant has been observed in individuals with autosomal recessive congenital myasthenic syndrome and/or clinical features of congenital myasthenic syndrome (PMID: 32140910; Invitae). It has also been observed to segregate with disease in related individuals. ClinVar contains an entry for this variant (Variation ID: 617539). Variants that disrupt the consensus splice site are a relatively common cause of aberrant splicing (PMID: 17576681, 9536098). Algorithms developed to predict the effect of sequence changes on RNA splicing suggest that this variant may disrupt the consensus splice site. In summary, the currently available evidence indicates that the variant is pathogenic, but additional data are needed to prove that conclusively. Therefore, this variant has been classified as Likely Pathogenic.

Genetic Diseases Diagnostic Center, Koc University Hospital
Classification: Likely pathogenic for Congenital myasthenic syndrome 12. Last evaluated: 2018-12-18. Review status: criteria provided, single submitter. Criteria: ACMG Guidelines, 2015. Collection method: clinical testing. Allele origin: germline. Inheritance: Autosomal recessive inheritance. Affected: yes.

Literature cited by the submitters: PubMed 32140910 (cited by Labcorp Genetics (formerly Invitae), Labcorp); PubMed 17576681 (cited by Labcorp Genetics (formerly Invitae), Labcorp); PubMed 9536098 (cited by Labcorp Genetics (formerly Invitae), Labcorp).